The following is an entry in ClinVar:

NM_000257.4(MYH7):c.1804A>G (p.Asn602Asp)

Gene: MYH7 (myosin heavy chain 7; minus strand). Cytogenetic location: 14q11.2.
Variant type: single nucleotide variant.
Coding change: c.1804A>G on transcript NM_000257.4 (MANE Select); coding-DNA position 1804, A replaced by G.
Protein change: p.Asn602Asp; replaces asparagine 602 with aspartic acid.
Molecular consequence: missense variant.
Genome position (GRCh38, 1-based): chr14:23,427,669, T>C on the plus strand (A>G on the coding strand, the complement: MYH7 is on the minus strand). VCF-style: chr14-23427669-T-C. GRCh37 (hg19) VCF-style: chr14-23896878-T-C.
Other names: short protein forms N602D.
Identifiers: ClinVar variation 180078 (VCV000180078.5), dbSNP rs727505332, ClinGen allele CA011288.

ClinVar aggregate classification (germline): Uncertain significance (1 of 4 stars; one submission).

Submission:

Laboratory for Molecular Medicine, Mass General Brigham Personalized Medicine
Classification: Uncertain significance. Last evaluated: 2022-09-14. Review status: criteria provided, single submitter. Criteria: ACMG Guidelines, 2015. Collection method: clinical testing. Allele origin: germline.
Comment: The p.Asn602Asp variant in MYH7 has been previously reported in 1 neonate with DCM (Burstein 2014 PMID: 32746448, LMM data). It was absent from large population studies. Computational prediction tools and conservation analyses do not provide strong support for or against an impact to the protein. This variant lies in the head region of the protein and missense variants in this region are statistically more likely to be disease-associated (Walsh 2016 PMID: 27532257). In summary, the clinical significance of this variant is uncertain. ACMG/AMP Criteria applied: PM1, PM2_Supporting.